The following is an entry in ClinVar:

ClinVar aggregate classification (germline): Conflicting classifications of pathogenicity. Review status: criteria provided, conflicting classifications (1 of 4 stars). 2 submissions from 2 submitters: Likely pathogenic (1); Uncertain significance (1). Last evaluated 2026-04-30.

Conditions:
Familial thoracic aortic aneurysm and aortic dissection (TAAD). Also called: Thoracic aortic aneurysms and dissections. Identifiers: Orphanet 91387, MedGen C4707243, MONDO:0019625.
Arterial tortuosity syndrome (ATORS). Identifiers: Orphanet 3342, MedGen C1859726, MONDO:0008818, OMIM 208050.

Allele frequency attached by ClinVar (database versions not stated): gnomAD exomes 0.00001; gnomAD 0.00002 and 0.00001; ExAC 0.00002; TOPMed 0.00002.
gnomAD v4.1: 7 of 1,606,908 alleles (0.00044%); highest among the groups gnomAD compares: Non-Finnish European, 0.00059%; no homozygotes.

Submissions (3):

Ambry Genetics
Classification: Uncertain significance for Familial thoracic aortic aneurysm and aortic dissection. Last evaluated: 2026-04-30. Review status: criteria provided, single submitter. Criteria: Ambry Variant Classification Scheme 2023. Collection method: clinical testing. Allele origin: germline.
Comment: The c.1288+2T>C intronic variant results from a T to C substitution two nucleotides after coding exon 2 in the SLC2A10 gene. This nucleotide position is highly conserved in available vertebrate species. In silico splice site analysis predicts that this alteration will weaken the native splice donor site. Variants that disrupt the canonical splice site are expected to cause aberrant splicing, resulting in an abnormal protein or a transcript that is subject to nonsense-mediated mRNA decay; however, +2T>C variants are capable of generating wild-type transcripts in some genomic contexts and should be interpreted with caution (Lin JH et al. Hum Mutat. 2019 10;40:1856-1873). Based on the available evidence, the clinical significance of this variant remains unclear.

Labcorp Genetics (formerly Invitae), Labcorp
Classification: Likely pathogenic for Arterial tortuosity syndrome. Last evaluated: 2026-01-05. Review status: criteria provided, single submitter. Criteria: Invitae Variant Classification Sherloc (09022015). Collection method: clinical testing. Allele origin: germline.
Comment: This sequence change affects a donor splice site in intron 2 of the SLC2A10 gene. It is expected to disrupt RNA splicing. Variants that disrupt the donor or acceptor splice site typically lead to a loss of protein function (PMID: 16199547), and loss-of-function variants in SLC2A10 are known to be pathogenic (PMID: 17935213, 22488877, 23494979). This variant is present in population databases (rs768848335, gnomAD 0.002%). This variant has not been reported in the literature in individuals affected with SLC2A10-related conditions. ClinVar contains an entry for this variant (Variation ID: 656001). Algorithms developed to predict the effect of sequence changes on RNA splicing suggest that this variant may disrupt the consensus splice site. In summary, the currently available evidence indicates that the variant is pathogenic, but additional data are needed to prove that conclusively. Therefore, this variant has been classified as Likely Pathogenic.

Dr. Peter K. Rogan Lab, Western University
No classification provided (evidence only). Condition: Malignant tumor of urinary bladder. Review status: no classification provided. Collection method: in vitro. Allele origin: not applicable. Functional consequence: retained intron. Not counted in ClinVar's aggregate classification.

Literature cited by the submitters: PubMed 16199547 (cited by Labcorp Genetics (formerly Invitae), Labcorp); PubMed 17935213 (cited by Labcorp Genetics (formerly Invitae), Labcorp); PubMed 22488877 (cited by Labcorp Genetics (formerly Invitae), Labcorp); PubMed 23494979 (cited by Labcorp Genetics (formerly Invitae), Labcorp).

NM_030777.4(SLC2A10):c.1288+2T>C

Gene: SLC2A10 (solute carrier family 2 member 10; plus strand). Cytogenetic location: 20q13.12.
Variant type: single nucleotide variant.
Coding change: c.1288+2T>C on transcript NM_030777.4 (MANE Select); the canonical splice donor site of the intron after coding-DNA position 1288, T replaced by C.
Molecular consequence: splice donor variant.
Genome position (GRCh38, 1-based): chr20:46,726,326, T>C. VCF-style: chr20-46726326-T-C. GRCh37 (hg19) VCF-style: chr20-45354965-T-C.
Identifiers: ClinVar variation 656001 (VCV000656001.11), dbSNP rs768848335, ClinGen allele CA9892140.